The following is an entry in ClinVar:

NM_021813.4(BACH2):c.1727G>A (p.Arg576Gln)

Gene: BACH2 (BACH transcriptional regulator 2; minus strand). Cytogenetic location: 6q15.
Variant type: single nucleotide variant.
Coding change: c.1727G>A on transcript NM_021813.4 (MANE Select); coding-DNA position 1727, G replaced by A.
Protein change: p.Arg576Gln; replaces arginine 576 with glutamine.
Molecular consequence: missense variant.
Genome position (GRCh38, 1-based): chr6:89,950,379, C>T on the plus strand (G>A on the coding strand, the complement: BACH2 is on the minus strand). VCF-style: chr6-89950379-C-T. GRCh37 (hg19) VCF-style: chr6-90660098-C-T.
Other names: c.1727G>A, p.Arg576Gln (NM_001170794.2); short protein forms R576Q.
Identifiers: ClinVar variation 636924 (VCV000636924.7), dbSNP rs775585764, ClinGen allele CA3927940.

ClinVar aggregate classification (germline): Uncertain significance. Review status: criteria provided, multiple submitters, no conflicts (2 of 4 stars). 2 submissions from 2 submitters: Uncertain significance (2). Last evaluated 2026-02-01.

Allele frequency attached by ClinVar (database versions not stated): ExAC 0.00002; TOPMed 0.00002; gnomAD 0.00003 and 0.00004.
gnomAD v4.1: 37 of 1,614,038 alleles (0.0023%); highest among the groups gnomAD compares: Non-Finnish European, 0.003%; no homozygotes.

Submissions (2):

Labcorp Genetics (formerly Invitae), Labcorp
Classification: Uncertain significance. Last evaluated: 2026-02-01. Review status: criteria provided, single submitter. Criteria: Invitae Variant Classification Sherloc (09022015). Collection method: clinical testing. Allele origin: germline.
Comment: This sequence change replaces arginine, which is basic and polar, with glutamine, which is neutral and polar, at codon 576 of the BACH2 protein (p.Arg576Gln). This variant is present in population databases (rs775585764, gnomAD 0.004%). This variant has not been reported in the literature in individuals affected with BACH2-related conditions. ClinVar contains an entry for this variant (Variation ID: 636924). Invitae Evidence Modeling of protein sequence and biophysical properties (such as structural, functional, and spatial information, amino acid conservation, physicochemical variation, residue mobility, and thermodynamic stability) indicates that this missense variant is not expected to disrupt BACH2 protein function with a negative predictive value of 80%. In summary, the available evidence is currently insufficient to determine the role of this variant in disease. Therefore, it has been classified as a Variant of Uncertain Significance.

Blueprint Genetics
Classification: Uncertain significance. Last evaluated: 2024-03-25. Review status: criteria provided, single submitter. Criteria: ACMG Guidelines, 2015. Collection method: clinical testing. Allele origin: germline.